The following is an entry in ClinVar:

NM_000104.4(CYP1B1):c.1309C>G (p.Pro437Ala)

Genes: CYP1B1 (cytochrome P450 family 1 subfamily B member 1; minus strand), LOC128772254 (melanoma risk locus-associated MPRA allelic enhancer 2:38298139; plus strand). Cytogenetic location: 2p22.2.
Variant type: single nucleotide variant.
Coding change: c.1309C>G on transcript NM_000104.4 (MANE Select); coding-DNA position 1309, C replaced by G.
Protein change: p.Pro437Ala; replaces proline 437 with alanine.
Molecular consequence: missense variant.
Genome position (GRCh38, 1-based): chr2:38,071,045, G>C on the plus strand (C>G on the coding strand, the complement: CYP1B1 is on the minus strand). VCF-style: chr2-38071045-G-C. GRCh37 (hg19) VCF-style: chr2-38298188-G-C.
Other names: short protein forms P437A.
Identifiers: ClinVar variation 2429121 (VCV002429121.4), dbSNP rs777962233, ClinGen allele CA1619820.

ClinVar aggregate classification (germline): Uncertain significance (1 of 4 stars; one submission).

Allele frequency attached by ClinVar (database versions not stated): ExAC 0.00002; TOPMed 0.00003.
gnomAD v4.1: 63 of 1,613,934 alleles (0.0039%); highest among the groups gnomAD compares: Non-Finnish European, 0.0047%; no homozygotes.

Submission:

Women's Health and Genetics/Laboratory Corporation of America, LabCorp
Classification: Uncertain significance. Last evaluated: 2023-01-31. Review status: criteria provided, single submitter. Criteria: LabCorp Variant Classification Summary - May 2015. Collection method: clinical testing. Allele origin: germline.
Comment: Variant summary: CYP1B1 c.1309C>G (p.Pro437Ala) results in a non-conservative amino acid change in the encoded protein sequence. Five of five in-silico tools predict a damaging effect of the variant on protein function. The variant allele was found at a frequency of 2e-05 in 251426 control chromosomes. The available data on variant occurrences in the general population are insufficient to allow any conclusion about variant significance. c.1309C>G has been reported in the literature in an individual affected with Primary Congenital Glaucoma who carried the variant in the homozygous state, along with a second rare variant with unknown effect (Boutacoub_2014). This report does not provide unequivocal conclusions about association of the variant with Primary Congenital Glaucoma. To our knowledge, no experimental evidence demonstrating an impact on protein function has been reported. No clinical diagnostic laboratories have submitted clinical-significance assessments for this variant to ClinVar after 2014. Based on the evidence outlined above, the variant was classified as uncertain significance.

Literature cited by the submitters: PubMed 24942078; PubMed 23468869.